The following is an entry in ClinVar:

ClinVar aggregate classification (germline): Pathogenic/Likely pathogenic. Review status: criteria provided, multiple submitters, no conflicts (2 of 4 stars). 15 submissions from 15 submitters: Pathogenic (7); Likely pathogenic (5). 3 of the submissions do not count toward it. Last evaluated 2026-08-14.

Conditions:
Cardiovascular phenotype. Identifiers: MedGen CN230736.
Cardiac arrhythmia. Also called: Arrhythmia; Cardiac rhythm disease. Identifiers: MedGen C0003811, MONDO:0007263, HP:0011675.
Familial long QT syndrome (RWS). Also called: Congenital long QT syndrome; Romano-Ward syndrome; VENTRICULAR FIBRILLATION WITH PROLONGED QT INTERVAL. Identifiers: Orphanet 768, MedGen C1141890, MONDO:0019171.
Long QT syndrome 1 (LQT1). Identifiers: Orphanet 101016, Orphanet 768, MedGen C4551647, MONDO:0100316, OMIM 192500, MONDO:0008646.
Jervell and Lange-Nielsen syndrome 1 (JLNS1). Also called: CARDIOAUDITORY SYNDROME OF JERVELL AND LANGE-NIELSEN; DEAFNESS, CONGENITAL, AND FUNCTIONAL HEART DISEASE; PROLONGED QT INTERVAL IN EKG AND SUDDEN DEATH; SURDO-CARDIAC SYNDROME. Identifiers: Orphanet 768, Orphanet 90647, MedGen C4551509, MONDO:0024540, OMIM 220400.
Long QT syndrome (LQTS). Identifiers: MedGen C0023976, MeSH D008133, MONDO:0002442. Disease mechanism: loss of function. Inheritance: Various modes of inheritance.

Allele frequency attached by ClinVar (database versions not stated): ExAC 0.00002; gnomAD exomes below 0.00001.
gnomAD v4.1: 13 of 1,612,274 alleles (0.00081%); highest among the groups gnomAD compares: East Asian, 0.0022%; no homozygotes.

Submissions 1 to 6 of 15:

GeneDx
Classification: Pathogenic. Last evaluated: 2026-08-14. Review status: criteria provided, single submitter. Criteria: GeneDx Variant Classification Process June 2021. Collection method: clinical testing. Allele origin: germline.
Comment: Identified in several patients with LQTS referred for genetic testing at GeneDx and in published literature (PMID: 19716085, 9024139, 10973849, 19490272, 30530868); Not observed at significant frequency in large population cohorts (gnomAD); Published functional studies demonstrate that this variant severely disrupts channel trafficking (PMID: 24912595, 25705178); In silico analysis supports that this missense variant has a deleterious effect on protein structure/function; This variant is associated with the following publications: (PMID: 10973849, 25705178, 30530868, 28438721, 22378279, 25637381, 22456477, 9024139, 12388934, 19490272, 26546361, 28991257, 32368696, 34426522, 34515413, 24912595, 37089884, 36136372, 19716085, Nas2025[Case Report], 36102233, 40127276)

Labcorp Genetics (formerly Invitae), Labcorp
Classification: Pathogenic for Long QT syndrome. Last evaluated: 2025-09-18. Review status: criteria provided, single submitter. Criteria: Invitae Variant Classification Sherloc (09022015). Collection method: clinical testing. Allele origin: germline.
Comment: This sequence change replaces alanine, which is neutral and non-polar, with threonine, which is neutral and polar, at codon 178 of the KCNQ1 protein (p.Ala178Thr). This variant is present in population databases (rs120074177, gnomAD 0.003%). This missense change has been observed in individuals with long QT syndrome (PMID: 9024139, 10973849, 19716085, 22456477). ClinVar contains an entry for this variant (Variation ID: 53061). Invitae Evidence Modeling of protein sequence and biophysical properties (such as structural, functional, and spatial information, amino acid conservation, physicochemical variation, residue mobility, and thermodynamic stability) indicates that this missense variant is expected to disrupt KCNQ1 protein function with a positive predictive value of 95%. Experimental studies have shown that this missense change affects KCNQ1 function (PMID: 24912595). This variant disrupts the p.Ala178 amino acid residue in KCNQ1. Other variant(s) that disrupt this residue have been determined to be pathogenic (PMID: 17470695). This suggests that this residue is clinically significant, and that variants that disrupt this residue are likely to be disease-causing. For these reasons, this variant has been classified as Pathogenic.

Ambry Genetics
Classification: Likely pathogenic for Cardiovascular phenotype. Last evaluated: 2025-03-06. Review status: criteria provided, single submitter. Criteria: Ambry Variant Classification Scheme 2023. Collection method: clinical testing. Allele origin: germline.
Comment: The p.A178T variant (also known as c.532G>A), located in coding exon 3 of the KCNQ1 gene, results from a G to A substitution at nucleotide position 532. The alanine at codon 178 is replaced by threonine, an amino acid with similar properties. This variant was reported in individual(s) with features consistent with long QT syndrome (Tanaka T et al. Circulation. 1997; 95(3):565-7 (reported as Ala49Thr); Jons C et al. J Cardiovasc Electrophysiol. 2009; 20(8):859-65; Kapplinger JD et al. Heart Rhythm. 2009;6(9):1297-303;Nafissi NA et al. Circ Genom Precis Med. 2022 Oct;15(5):e003675; Yee LA et al. J Am Heart Assoc. 2022 Sep;11(18):e025108; Cava F et al. Front Cardiovasc Med. 2023 Apr;10:1112759; Ambry internal data). In one study, this alteration was detected as compound heterozygous with a frameshift alteration in a severely affected child, while relatives who were heterozygous for this alteration was unaffected. In the same study, the p.A178T alteration was reported to have moderate impact on channel trafficking and function and moderate dominant negative effect (Harmer SC et al. Biochem J. 2014; 462(1):133-42). This amino acid position is highly conserved in available vertebrate species. In addition, this alteration is predicted to be deleterious by in silico analysis. Based on the majority of available evidence to date, this variant is likely to be pathogenic.

Victorian Clinical Genetics Services, Murdoch Childrens Research Institute
Classification: Pathogenic for Long QT syndrome 1. Last evaluated: 2024-10-10. Review status: criteria provided, single submitter. Criteria: ACMG Guidelines, 2015. Collection method: clinical testing. Allele origin: germline. Affected: yes.
Comment: Based on the classification scheme VCGS_Germline_v1.1.1, this variant is classified as pathogenic. Following criteria are met: 0103 - Both loss- and gain-of-function are known mechanisms of disease for this gene, however only missense causing short QT syndrome has been reported with a gain of function mechanism (OMIM). (N) 0104 - Dominant Negative is a mechanism of disease for this gene. Both truncating variants escaping NMD, and missense have been proven to cause a dominant negative effect (OMIM, PMID: 19632626). (N) 0108 - This gene is known to be associated with both recessive and dominant disease. Recessive disease is mostly caused by biallelic NMD variants (PMID: 28438721). (N) 0112 - Variants in this gene causing long QT syndrome are known to have reduced penetrance (GeneReviews, OMIM). (N) 0200 - Variant is predicted to result in a missense amino acid change from alanine to threonine (exon 3). (N) 0251 - Variant is heterozygous. (N) 0302 - Variant is present in gnomAD <0.001 for a dominant condition (1 heterozygote, 0 homozygotes). (P) 0502 - Missense variant with conflicting in silico predictions and/or uninformative conservation. (N) 0600 - Variant is located in an annotated domain or motif, (S2 to S3 intracellular linker within the ion transporter domain; NCBI). (N) 0704 - Comparable variant (p.Ala178Pro) has low previous evidence for pathogenicity in patients with long QT syndrome (ClinVar, LOVD, PMID: 19490272). (P) 0801 - Strong previous evidence of pathogenicity in unrelated heterozygous and homozygous individuals with long QT syndrome. Heterozygous carriers have been reported as both symptomatic and asymptomatic (ClinVar, LOVD, PMID: 28438721, PMID: 19716085, PMID: 9024139, PMID: 30530868) (P) 1002 - Moderate functional evidence supporting abnormal protein function. Transfected cells demonstrated impaired protein localization and shifts to depolarized potentials (PMID: 24912595). (N) Legend: (P) - Pathogenic, (N) - Neutral, (B) - Benign

All of Us Research Program, National Institutes of Health
Classification: Pathogenic for Long QT syndrome. Last evaluated: 2024-07-10. Review status: criteria provided, single submitter. Criteria: ACMG Guidelines, 2015. Collection method: clinical testing. Allele origin: germline. Inheritance: Autosomal dominant inheritance. Observed: 1 variant allele, 1 heterozygote.
Comment: This missense variant replaces alanine with threonine at codon 178 of the KCNQ1 protein. This variant is found within the highly conserved cytoplasmic linker region (a.a. 169-196). Rare non-truncating variants in this region have been shown to be significantly overrepresented in individuals with long QT syndrome (PMID: 32893267). A functional study has shown that this variant results in the protein retention in the endoplasmic reticulum and a reduced cell-surface expression of the potassium channel due to the trafficking defects (PMID: 24912595). This variant has been reported in over ten unrelated individuals affected with long QT syndrome (PMID: 9024139, 10973849, 19490272, 19716085, 22456477, 28438721, 29033053, 30530868, 32893267, 36102233). Of these, 3 affected individuals were homozygous for this variant. Another unrelated homozygous individual was affected with autosomal recessive Romano-Ward Syndrome (PMID: 29033053). This variant has also been observed in compound heterozygous state with a pathogenic truncation variant in a child affected with severe phenotype (PMID: 24912595). This variant has been identified in 1/248870 chromosomes in the general population by the Genome Aggregation Database (gnomAD). Based on the available evidence, this variant is classified as Pathogenic.

This study involves interpretation of variants in research participants for the purpose of population health screening. Participant phenotype was not available at the time of variant classification. Additional details can be found in publication PMID: 35346344, PMCID: PMC8962531

Genomic Medicine Center of Excellence, King Faisal Specialist Hospital and Research Centre
Classification: Pathogenic for Long QT syndrome 1. Last evaluated: 2024-03-29. Review status: criteria provided, single submitter. Criteria: ACMG Guidelines, 2015. Collection method: clinical testing. Allele origin: germline.

NM_000218.3(KCNQ1):c.532G>A (p.Ala178Thr)

Gene: KCNQ1 (potassium voltage-gated channel subfamily Q member 1; plus strand). Cytogenetic location: 11p15.5.
Variant type: single nucleotide variant.
Coding change: c.532G>A on transcript NM_000218.3 (MANE Select); coding-DNA position 532, G replaced by A.
Protein change: p.Ala178Thr; replaces alanine 178 with threonine.
Molecular consequence: missense variant.
Genome position (GRCh38, 1-based): chr11:2,570,682, G>A. VCF-style: chr11-2570682-G-A. GRCh37 (hg19) VCF-style: chr11-2591912-G-A.
Other names: p.A178T:GCC>ACC; c.532G>A (LRG_287t1); c.532G>A, p.Ala178Thr (NM_001406836.1); c.262G>A, p.Ala88Thr (NM_001406837.1); c.151G>A, p.Ala51Thr (NM_181798.2); short protein forms A178T, A51T, A88T.
Identifiers: ClinVar variation 53061 (VCV000053061.69), dbSNP rs120074177, ClinGen allele CA007353.